The following is an entry in ClinVar:

NM_002734.5(PRKAR1A):c.213_247del (p.Gly72fs)

Gene: PRKAR1A (protein kinase cAMP-dependent type I regulatory subunit alpha; plus strand). Cytogenetic location: 17q24.2.
Variant type: Deletion.
Coding change: c.213_247del on transcript NM_002734.5 (MANE Select); coding-DNA positions 213 to 247, 35 bases deleted.
Protein change: p.Gly72fs; shifts the reading frame from glycine 72.
Molecular consequence: frameshift variant.
Genome position (GRCh38, 1-based): chr17:68,522,791-68,522,825, 35 bases deleted. GRCh37 (hg19): chr17:66,518,932-66,518,966.
Other names: c.213_247del, p.Gly72fs (NM_001276289.2, NM_001276290.1, NM_001278433.2 and 4 more transcripts); short protein forms G72fs.
Identifiers: ClinVar variation 419198 (VCV000419198.2), dbSNP rs1064793712, ClinGen allele CA16620591.

ClinVar aggregate classification (germline): Pathogenic (1 of 4 stars; one submission).

Submission:

GeneDx
Classification: Pathogenic. Last evaluated: 2015-06-04. Review status: criteria provided, single submitter. Criteria: GeneDx Variant Classification (06012015). Collection method: clinical testing. Allele origin: germline. Affected: yes.
Comment: The c.213_247del35 deletion is predicted to cause loss of normal protein function either through protein truncation or nonsense-mediated mRNA decay. Although this variant has not been previously reported to our knowledge, we consider it to be pathogenic.